The following is an entry in ClinVar:

ClinVar aggregate classification (germline): Uncertain significance. Review status: criteria provided, multiple submitters, no conflicts (2 of 4 stars). 3 submissions from 3 submitters: Uncertain significance (3). Last evaluated 2023-08-31.

Conditions:
Hereditary nonpolyposis colorectal neoplasms. Identifiers: MedGen C0009405, MeSH D003123.
Hereditary cancer-predisposing syndrome. Also called: Tumor predisposition; Neoplastic Syndromes, Hereditary; Hereditary Cancer Syndrome; Hereditary neoplastic syndrome. Identifiers: Orphanet 140162, MedGen C0027672, MeSH D009386, MONDO:0015356.

Submissions (3):

Quest Diagnostics Nichols Institute San Juan Capistrano
Classification: Uncertain significance. Last evaluated: 2023-08-31. Review status: criteria provided, single submitter. Criteria: Quest Diagnostics criteria. Collection method: clinical testing. Allele origin: unknown.
Comment: This variant has not been reported in the published literature. It also has not been reported in large, multi-ethnic general populations (Genome Aggregation Database). Analysis of this variant using bioinformatics tools for the prediction of the effect of amino acid changes on protein structure and function yielded predictions that this variant is damaging. Based on the available information, we are unable to determine the clinical significance of this variant.

Ambry Genetics
Classification: Uncertain significance for Hereditary cancer-predisposing syndrome. Last evaluated: 2023-07-11. Review status: criteria provided, single submitter. Criteria: Ambry Variant Classification Scheme 2023. Collection method: clinical testing. Allele origin: germline.
Comment: The p.R341S variant (also known as c.1023G>T), located in coding exon 10 of the PMS2 gene, results from a G to T substitution at nucleotide position 1023. The arginine at codon 341 is replaced by serine, an amino acid with dissimilar properties. This alteration was observed in the TCGA colorectal adenocarcinoma data set, which was used to represent sporadic cancer in a study of patients with wild-type PTEN who met at least the relaxed diagnostic criteria of the International Cowden Consortium (Lee YR et al. N Engl J Med, 2020 May;382:2103-2116). This amino acid position is highly conserved in available vertebrate species. In addition, this alteration is predicted to be deleterious by in silico analysis. Since supporting evidence is limited at this time, the clinical significance of this alteration remains unclear.

Labcorp Genetics (formerly Invitae), Labcorp
Classification: Uncertain significance for Hereditary nonpolyposis colorectal neoplasms. Last evaluated: 2022-11-10. Review status: criteria provided, single submitter. Criteria: Invitae Variant Classification Sherloc (09022015). Collection method: clinical testing. Allele origin: germline.
Comment: This variant is not present in population databases (gnomAD no frequency). This variant has not been reported in the literature in individuals affected with PMS2-related conditions. Advanced modeling of protein sequence and biophysical properties (such as structural, functional, and spatial information, amino acid conservation, physicochemical variation, residue mobility, and thermodynamic stability) performed at Invitae indicates that this missense variant is expected to disrupt PMS2 protein function. In summary, the available evidence is currently insufficient to determine the role of this variant in disease. Therefore, it has been classified as a Variant of Uncertain Significance. This sequence change replaces arginine, which is basic and polar, with serine, which is neutral and polar, at codon 341 of the PMS2 protein (p.Arg341Ser).

Literature cited by the submitters: PubMed 32459922 (cited by Ambry Genetics).

NM_000535.7(PMS2):c.1023G>T (p.Arg341Ser)

Gene: PMS2 (PMS1 homolog 2, mismatch repair system component; minus strand). Cytogenetic location: 7p22.1.
Variant type: single nucleotide variant.
Coding change: c.1023G>T on transcript NM_000535.7 (MANE Select); coding-DNA position 1023, G replaced by T.
Protein change: p.Arg341Ser; replaces arginine 341 with serine.
Molecular consequence: missense variant. On other transcripts: non-coding transcript variant (1), intron variant (2).
Genome position (GRCh38, 1-based): chr7:5,989,921, C>A on the plus strand (G>T on the coding strand, the complement: PMS2 is on the minus strand). VCF-style: chr7-5989921-C-A. GRCh37 (hg19) VCF-style: chr7-6029552-C-A.
Other names: c.618G>T, p.Arg206Ser (NM_001018040.1, NM_001322003.2, NM_001322004.2 and 17 more transcripts); c.705G>T, p.Arg235Ser (NM_001322007.2, NM_001322008.2, NM_001406876.1 and 2 more transcripts); c.90G>T, p.Arg30Ser (NM_001322011.2, NM_001322012.2); c.450G>T, p.Arg150Ser (NM_001322013.2, NM_001406909.1); c.1023G>T, p.Arg341Ser (NM_001322014.2, NM_001406871.1, NM_001406872.1); c.714G>T, p.Arg238Ser (NM_001322015.2, NM_001406875.1, NM_001406877.1 and 5 more transcripts); c.1209G>T, p.Arg403Ser (NM_001406866.1); c.1047G>T, p.Arg349Ser (NM_001406868.1); and 10 more; short protein forms R285S, R30S, R150S, R206S, R219S, R235S, R238S, R275S.
Identifiers: ClinVar variation 2008787 (VCV002008787.7), dbSNP rs746961377, ClinGen allele CA366742967.